The following is an entry in ClinVar:

NM_001130987.2(DYSF):c.*267C>G

Gene: DYSF (dysferlin; plus strand). Cytogenetic location: 2p13.2.
Variant type: single nucleotide variant.
Coding change: c.*267C>G on transcript NM_001130987.2 (MANE Select); 267 bases downstream of the stop codon, C replaced by G.
Molecular consequence: 3 prime UTR variant.
Genome position (GRCh38, 1-based): chr2:71,686,759, C>G. VCF-style: chr2-71686759-C-G. GRCh37 (hg19) VCF-style: chr2-71913889-C-G.
Other names: c.*267C>G (NM_001130455.2, NM_001130976.2, NM_001130977.2 and 10 more transcripts).
Identifiers: ClinVar variation 336985 (VCV000336985.36), dbSNP rs181677134, ClinGen allele CA10613918.

ClinVar aggregate classification (germline): Conflicting classifications of pathogenicity. Review status: criteria provided, conflicting classifications (1 of 4 stars). 3 submissions from 3 submitters: Uncertain significance (1); Likely benign (2). Last evaluated 2023-05-01.

Conditions:
Neuromuscular disease caused by qualitative or quantitative defects of dysferlin. Also called: Qualitative or quantitative defects of dysferlin; Dysferlinopathy. Identifiers: Orphanet 207073, MedGen C2931687, MONDO:0016145.

Allele frequency attached by ClinVar (database versions not stated): 1000 Genomes Project 0.00060; 1000 Genomes Project 30x 0.00062; TOPMed 0.00298; gnomAD exomes 0.00527; gnomAD 0.00589 and 0.00625.
gnomAD v4.1: 2,829 of 524,112 alleles (0.54%); highest among the groups gnomAD compares: Non-Finnish European, 0.7%; 21 homozygotes.

Submissions (3):

CeGaT Center for Human Genetics Tuebingen
Classification: Likely benign. Last evaluated: 2023-05-01. Review status: criteria provided, single submitter. Criteria: CeGaT Center For Human Genetics Tuebingen Variant Classification Criteria Version 2. Collection method: clinical testing. Allele origin: germline. Affected: yes. Observed: 9 variant alleles.
Comment: DYSF: BS2

GeneDx
Classification: Likely benign. Last evaluated: 2018-06-19. Review status: criteria provided, single submitter. Criteria: GeneDx Variant Classification Process June 2021. Collection method: clinical testing. Allele origin: germline. Affected: yes.

Illumina Laboratory Services, Illumina
Classification: Uncertain significance for Qualitative or quantitative defects of dysferlin. Last evaluated: 2018-01-13. Review status: criteria provided, single submitter. Criteria: ICSL Variant Classification Criteria 13 December 2019. Collection method: clinical testing. Allele origin: germline.